The following is an entry in ClinVar:

NM_000214.3(JAG1):c.776G>A (p.Gly259Asp)

Gene: JAG1 (jagged canonical Notch ligand 1; minus strand). Cytogenetic location: 20p12.2.
Variant type: single nucleotide variant.
Coding change: c.776G>A on transcript NM_000214.3 (MANE Select); coding-DNA position 776, G replaced by A.
Protein change: p.Gly259Asp; replaces glycine 259 with aspartic acid.
Molecular consequence: missense variant.
Genome position (GRCh38, 1-based): chr20:10,652,578, C>T on the plus strand (G>A on the coding strand, the complement: JAG1 is on the minus strand). VCF-style: chr20-10652578-C-T. GRCh37 (hg19) VCF-style: chr20-10633226-C-T.
Other names: short protein forms G259D.
Identifiers: ClinVar variation 2430610 (VCV002430610.1), dbSNP rs1568798363, ClinGen allele CA408239443.

ClinVar aggregate classification (germline): Uncertain significance (1 of 4 stars; one submission).

Submission:

GeneDx
Classification: Uncertain significance. Last evaluated: 2023-02-15. Review status: criteria provided, single submitter. Criteria: GeneDx Variant Classification Process June 2021. Collection method: clinical testing. Allele origin: germline. Affected: yes.
Comment: Has not been previously published as pathogenic or benign to our knowledge; Not observed at significant frequency in large population cohorts (gnomAD); In silico analysis supports that this missense variant has a deleterious effect on protein structure/function